The following is an entry in ClinVar:

NM_001283009.2(RTEL1):c.2413+5G>C

Genes: RTEL1 (regulator of telomere elongation helicase 1; plus strand), RTEL1-TNFRSF6B (RTEL1-TNFRSF6B readthrough (NMD candidate); plus strand). Cytogenetic location: 20q13.33.
Variant type: single nucleotide variant.
Coding change: c.2413+5G>C on transcript NM_001283009.2 (MANE Select); 5 bases into the intron after coding-DNA position 2413, G replaced by C.
Molecular consequence: intron variant.
Genome position (GRCh38, 1-based): chr20:63,690,446, G>C. VCF-style: chr20-63690446-G-C. GRCh37 (hg19) VCF-style: chr20-62321799-G-C.
Other names: c.1744+5G>C (NM_001283010.1); c.2485+5G>C (NM_032957.5); c.2413+5G>C (NM_016434.4).
Identifiers: ClinVar variation 1420321 (VCV001420321.4), dbSNP rs750836127, ClinGen allele CA2573157235.

ClinVar aggregate classification (germline): Uncertain significance. Review status: criteria provided, single submitter (1 of 4 stars). 2 submissions from 2 submitters: Uncertain significance (1). 1 of the submissions does not count toward it. Last evaluated 2022-08-15.

Conditions:
Dyskeratosis congenita, autosomal recessive 5 (DKCB5). Identifiers: MedGen C3554656, MONDO:0014076, OMIM 615190.
Pulmonary fibrosis and/or bone marrow failure, Telomere-related, 3. Also called: PULMONARY FIBROSIS AND/OR BONE MARROW FAILURE SYNDROME, TELOMERE-RELATED, 3. Identifiers: Orphanet 2032, MedGen C4225346, MONDO:0014613, OMIM 616373.

Submissions (2):

Labcorp Genetics (formerly Invitae), Labcorp
Classification: Uncertain significance for Dyskeratosis congenita, autosomal recessive 5; Pulmonary fibrosis and/or bone marrow failure, Telomere-related, 3. Last evaluated: 2022-08-15. Review status: criteria provided, single submitter. Criteria: Invitae Variant Classification Sherloc (09022015). Collection method: clinical testing. Allele origin: germline.
Comment: This sequence change falls in intron 26 of the RTEL1 gene. It does not directly change the encoded amino acid sequence of the RTEL1 protein. It affects a nucleotide within the consensus splice site. This variant is not present in population databases (gnomAD no frequency). This variant has not been reported in the literature in individuals affected with RTEL1-related conditions. ClinVar contains an entry for this variant (Variation ID: 1420321). Variants that disrupt the consensus splice site are a relatively common cause of aberrant splicing (PMID: 17576681, 9536098). Algorithms developed to predict the effect of sequence changes on RNA splicing suggest that this variant may create or strengthen a splice site. In summary, the available evidence is currently insufficient to determine the role of this variant in disease. Therefore, it has been classified as a Variant of Uncertain Significance.

Genetic Services Laboratory, University of Chicago
Classification: Uncertain significance. Last evaluated: 2022-12-13. Review status: no assertion criteria provided. Collection method: clinical testing. Allele origin: germline. Affected: no. Not counted in ClinVar's aggregate classification.
Comment: DNA sequence analysis of the RTEL1 gene demonstrated a sequence change in intron 26, c.2485+5G>C (DNA reference sequence NM_032957.5). This change does not appear to have been previously described in individuals with RTEL1-related disorders and has also not been described in population databases such as ExAC and gnomAD. In-silico splice prediction programs provide inconclusive results for this sequence change. The functional significance of this sequence change is not known at present and its contribution to this individual's disease phenotype cannot definitively be determined.

Literature cited by the submitters: PubMed 17576681 (cited by Labcorp Genetics (formerly Invitae), Labcorp); PubMed 9536098 (cited by Labcorp Genetics (formerly Invitae), Labcorp).